The following is an entry in ClinVar:

NM_001363711.2(DUOX2):c.2902A>T (p.Thr968Ser)

Gene: DUOX2 (dual oxidase 2; minus strand). Cytogenetic location: 15q21.1.
Variant type: single nucleotide variant.
Coding change: c.2902A>T on transcript NM_001363711.2 (MANE Select); coding-DNA position 2902, A replaced by T.
Protein change: p.Thr968Ser; replaces threonine 968 with serine.
Molecular consequence: missense variant.
Genome position (GRCh38, 1-based): chr15:45,101,224, T>A on the plus strand (A>T on the coding strand, the complement: DUOX2 is on the minus strand). VCF-style: chr15-45101224-T-A. GRCh37 (hg19) VCF-style: chr15-45393422-T-A.
Other names: c.2902A>T, p.Thr968Ser (NM_014080.5); short protein forms T968S.
Identifiers: ClinVar variation 2418310 (VCV002418310.6), dbSNP rs761813221, ClinGen allele CA7538098.

ClinVar aggregate classification (germline): Uncertain significance. Review status: criteria provided, multiple submitters, no conflicts (2 of 4 stars). 2 submissions from 2 submitters: Uncertain significance (2). Last evaluated 2026-08-06.

Conditions:
Thyroid dyshormonogenesis 6 (TDH6). Also called: HYPOTHYROIDISM, CONGENITAL, DUE TO DYSHORMONOGENESIS, 6; THYROID HORMONOGENESIS, GENETIC DEFECT IN, 6; Genetic transient congenital hypothyroidism. Identifiers: Orphanet 226316, Orphanet 95716, MedGen C1846632, MONDO:0011792, OMIM 607200.

Allele frequency attached by ClinVar (database versions not stated): TOPMed 0.00001; ExAC 0.00001.
gnomAD v4.1: 7 of 1,613,712 alleles (0.00043%); highest among the groups gnomAD compares: Admixed American, 0.005%; no homozygotes.

Submissions (2):

OLLIN Analises Genomicas, OLLIN
Classification: Uncertain significance for Thyroid dyshormonogenesis 6. Last evaluated: 2026-08-06. Review status: criteria provided, single submitter. Criteria: ACMG Guidelines 2015 PMID 25741868. Collection method: clinical testing. Allele origin: germline. Inheritance: Autosomal recessive inheritance.
Comment: This missense variant, located in exon 22 (of 34), has been reported in ClinVar (accession VCV002418310.5) and in gnomAD with an allele frequency of 0.00043%. However, to our knowledge, it has not been reported in the scientific literature. In silico analysis predicts that this variant has a tolerated effect. According to the currently available evidence, this variant has been classified as uncertain significance (PM2_P, BP4_S).

Labcorp Genetics (formerly Invitae), Labcorp
Classification: Uncertain significance. Last evaluated: 2024-03-24. Review status: criteria provided, single submitter. Criteria: Invitae Variant Classification Sherloc (09022015). Collection method: clinical testing. Allele origin: germline.
Comment: This sequence change replaces threonine, which is neutral and polar, with serine, which is neutral and polar, at codon 968 of the DUOX2 protein (p.Thr968Ser). This variant is present in population databases (rs761813221, gnomAD 0.009%). This variant has not been reported in the literature in individuals affected with DUOX2-related conditions. ClinVar contains an entry for this variant (Variation ID: 2418310). Advanced modeling of protein sequence and biophysical properties (such as structural, functional, and spatial information, amino acid conservation, physicochemical variation, residue mobility, and thermodynamic stability) performed at Invitae indicates that this missense variant is not expected to disrupt DUOX2 protein function with a negative predictive value of 80%. In summary, the available evidence is currently insufficient to determine the role of this variant in disease. Therefore, it has been classified as a Variant of Uncertain Significance.